The following is an entry in ClinVar:

ClinVar aggregate classification (germline): Pathogenic. Review status: reviewed by expert panel (3 of 4 stars). 2 submissions from 2 submitters: Pathogenic (1). 1 of the submissions does not count toward it. Last evaluated 2016-09-08.

Conditions:
Hereditary cancer-predisposing syndrome. Also called: Hereditary Cancer Syndrome; Neoplastic Syndromes, Hereditary; Tumor predisposition; Hereditary neoplastic syndrome. Identifiers: Orphanet 140162, MedGen C0027672, MeSH D009386, MONDO:0015356.
Breast-ovarian cancer, familial, susceptibility to, 2 (BROVCA2). Also called: BRCA2 Hereditary Breast and Ovarian Cancer. Identifiers: Orphanet 145, MedGen C2675520, MONDO:0012933, OMIM 612555. Disease mechanism: loss of function.

Submissions (2):

Evidence-based Network for the Interpretation of Germline Mutant Alleles (ENIGMA)
Classification: Pathogenic for Breast-ovarian cancer, familial, susceptibility to, 2. Last evaluated: 2016-09-08. Review status: reviewed by expert panel. Criteria: ENIGMA BRCA1/2 Classification Criteria (2015). Collection method: curation. Allele origin: germline.
Comment: Variant allele predicted to encode a truncated non-functional protein.

Ambry Genetics
Classification: Pathogenic for Hereditary cancer-predisposing syndrome. Last evaluated: 2014-11-19. Review status: criteria provided, single submitter. Criteria: Ambry Variant Classification Scheme 2023. Collection method: clinical testing. Allele origin: germline. Not counted in ClinVar's aggregate classification.
Comment: The c.7026delA pathogenic mutation (also known as 7254delA), located in coding exon 13 of the BRCA2 gene, results from a deletion of one nucleotide at nucleotide position 7026, causing a translational frameshift with a predicted alternate stop codon (p.Q2342Qfs*25). Since frameshifts are typically deleterious in nature, this alteration is interpreted as a disease-causing mutation (ACMG Recommendations for Standards for Interpretation and Reporting of Sequence Variations. Revision 2007. Genet Med. 2008;10:294).

NM_000059.4(BRCA2):c.7026del (p.Glu2343fs)

Gene: BRCA2 (BRCA2 DNA repair associated; plus strand). Cytogenetic location: 13q13.1.
Variant type: Deletion.
Coding change: c.7026del on transcript NM_000059.4 (MANE Select); coding-DNA position 7026, one base deleted (A; older notation c.7026delA).
Protein change: p.Glu2343fs; shifts the reading frame from glutamic acid 2343.
Molecular consequence: frameshift variant.
Genome position (GRCh38, 1-based): chr13:32,354,879, A deleted; the last of 2 consecutive A bases (chr13:32,354,878-32,354,879); deleting either gives the same sequence. VCF-style (leftmost placement, unchanged base first): chr13-32354877-CA-C. GRCh37 (hg19) VCF-style: chr13-32929014-CA-C.
Other names: c.7026delA (NM_000059.3); short protein forms E2343fs.
Identifiers: ClinVar variation 187200 (VCV000187200.6), dbSNP rs786203546, ClinGen allele CA024771.
Genomic context (GRCh38, chr13:32,354,877, plus strand): 5'-ATGTGTACTAGTCAATAAACTTATATATTTTCTCCCCATTGCAGCACAACTAAGGAACGT[CA>C]AGAGATACAGAATCCAAATTTTACCGCACCTGGTCAAGAATTTCTGTCTAAATCTCATTT-3'